The following is an entry in ClinVar:

ClinVar aggregate classification (germline): Uncertain significance (1 of 4 stars; one submission).

Conditions:
Baller-Gerold syndrome (BGS). Also called: CRANIOSYNOSTOSIS WITH RADIAL DEFECTS. Identifiers: Orphanet 1225, MedGen C0265308, MONDO:0009039, OMIM 218600.

Submission:

Labcorp Genetics (formerly Invitae), Labcorp
Classification: Uncertain significance for Baller-Gerold syndrome. Last evaluated: 2022-03-29. Review status: criteria provided, single submitter. Criteria: Invitae Variant Classification Sherloc (09022015). Collection method: clinical testing. Allele origin: germline.
Comment: This sequence change falls in intron 2 of the RECQL4 gene. It does not directly change the encoded amino acid sequence of the RECQL4 protein. This variant is not present in population databases (gnomAD no frequency). This variant has not been reported in the literature in individuals affected with RECQL4-related conditions. Algorithms developed to predict the effect of sequence changes on RNA splicing suggest that this variant may disrupt the consensus splice site. In summary, the available evidence is currently insufficient to determine the role of this variant in disease. Therefore, it has been classified as a Variant of Uncertain Significance.

NM_004260.4(RECQL4):c.118+16G>A

Genes: RECQL4 (RecQ like helicase 4; minus strand), LOC130001411 (ATAC-STARR-seq lymphoblastoid silent region 19699; plus strand). Cytogenetic location: 8q24.3.
Variant type: single nucleotide variant.
Coding change: c.118+16G>A on transcript NM_004260.4 (MANE Select); 16 bases into the intron after coding-DNA position 118, G replaced by A.
Molecular consequence: intron variant.
Genome position (GRCh38, 1-based): chr8:144,517,586, C>T on the plus strand (G>A on the coding strand, the complement: RECQL4 is on the minus strand). VCF-style: chr8-144517586-C-T. GRCh37 (hg19) VCF-style: chr8-145742970-C-T.
Identifiers: ClinVar variation 1947589 (VCV001947589.5), dbSNP rs1315512997, ClinGen allele CA2580078821.